The following is an entry in ClinVar:

ClinVar aggregate classification (germline): Pathogenic/Likely pathogenic. Review status: criteria provided, multiple submitters, no conflicts (2 of 4 stars). 3 submissions from 3 submitters: Pathogenic (1); Likely pathogenic (2). Last evaluated 2025-07-25.

Conditions:
Neurodevelopmental disorder with hypotonia, seizures, and absent language (NDHSAL). Identifiers: MedGen C4310643, MONDO:0014995, OMIM 617268.
Inborn genetic diseases. Identifiers: MedGen C0950123, MeSH D030342.

gnomAD v4.1: 1 of 1,523,690 alleles (0.000066%); highest among the groups gnomAD compares: African/African-American, 0.0014%; no homozygotes.

Submissions (3):

GeneDx
Classification: Pathogenic. Last evaluated: 2025-07-25. Review status: criteria provided, single submitter. Criteria: GeneDx Variant Classification Process June 2021. Collection method: clinical testing. Allele origin: germline. Affected: yes.
Comment: Not observed at significant frequency in large population cohorts (gnomAD); In silico analysis supports that this missense variant has a deleterious effect on protein structure/function; This variant is associated with the following publications: (PMID: 40469502, 35753050, 34047014, 35487419, 32814609, 34321324)

3billion
Classification: Likely pathogenic for Neurodevelopmental disorder with hypotonia, seizures, and absent language. Last evaluated: 2024-11-23. Review status: criteria provided, single submitter. Criteria: ACMG Guidelines, 2015. Collection method: clinical testing. Allele origin: germline. Affected: yes.
Comment: The variant is observed at an extremely low frequency in the gnomAD v4.1.0 dataset (total allele frequency: <0.001%). Predicted Consequence/Location: Missense variant. Missense changes are a common disease-causing mechanism. In silico tool predictions suggest damaging effect of the variant on gene or gene product [REVEL: 0.46 (>=0.6, sensitivity 0.68 and specificity 0.92); 3Cnet: 0.94 (>=0.6, sensitivity 0.72 and precision 0.9)]. The same nucleotide change resulting in the same amino acid change has been previously reported to be associated with HECW2-related disorder (ClinVar ID: VCV000521150 /PMID: 32814609).The variant has been previously reported as de novo in a similarly affected individual (PMID: 32814609). Therefore, this variant is classified as Likely pathogenic according to the recommendation of ACMG/AMP guideline.

Ambry Genetics
Classification: Likely pathogenic for Inborn genetic diseases. Last evaluated: 2016-06-07. Review status: criteria provided, single submitter. Criteria: Ambry exome assertion method (8-5-2015). Collection method: clinical testing. Allele origin: germline. Affected: yes. Observed: 1 variant allele.

Literature cited by the submitters: PubMed 32814609 (cited by 3billion); PubMed 23545411 (cited by Ambry Genetics).

NM_001348768.2(HECW2):c.4485G>T (p.Arg1495Ser)

Gene: HECW2 (HECT, C2 and WW domain containing E3 ubiquitin protein ligase 2; minus strand). Cytogenetic location: 2q32.3.
Variant type: single nucleotide variant.
Coding change: c.4485G>T on transcript NM_001348768.2 (MANE Select); coding-DNA position 4485, G replaced by T.
Protein change: p.Arg1495Ser; replaces arginine 1495 with serine.
Molecular consequence: missense variant.
Genome position (GRCh38, 1-based): chr2:196,217,017, C>A on the plus strand (G>T on the coding strand, the complement: HECW2 is on the minus strand). VCF-style: chr2-196217017-C-A. GRCh37 (hg19) VCF-style: chr2-197081741-C-A.
Other names: c.3417G>T, p.Arg1139Ser (NM_001304840.3); c.4485G>T, p.Arg1495Ser (NM_020760.4); short protein forms R1495S, R1139S.
Identifiers: ClinVar variation 521150 (VCV000521150.6), dbSNP rs774316240, ClinGen allele CA349942595.
Genomic context (GRCh38, chr2:196,217,017, plus strand): 5'-CCAACAATAATCATATTGATACATTTAAAAGATTAAATAATGGCATCTCACCTGTAACAA[C>A]CTTAGTCGTTGTTCATTGTTGAATCTTTCCACTGCAGCCCAGAACCACCGAATTACAATA-3'
Protein context (NP_001335697.1, residues 1485-1505): VERFNNEQRL[Arg1495Ser]LLQFVTGTSS